The following is an entry in ClinVar:

NM_006031.6(PCNT):c.2903T>C (p.Leu968Pro)

Gene: PCNT (pericentrin; plus strand). Cytogenetic location: 21q22.3.
Variant type: single nucleotide variant.
Coding change: c.2903T>C on transcript NM_006031.6 (MANE Select); coding-DNA position 2903, T replaced by C.
Protein change: p.Leu968Pro; replaces leucine 968 with proline.
Molecular consequence: missense variant.
Genome position (GRCh38, 1-based): chr21:46,366,877, T>C. VCF-style: chr21-46366877-T-C. GRCh37 (hg19) VCF-style: chr21-47786792-T-C.
Other names: c.2549T>C, p.Leu850Pro (NM_001315529.2); short protein forms L968P, L850P.
Identifiers: ClinVar variation 4993562 (VCV004993562.1).

ClinVar aggregate classification (germline): Uncertain significance (1 of 4 stars; one submission).

Conditions:
PCNT-related disorder. Also called: PCNT-related condition.

gnomAD v4.1: 4 of 1,614,180 alleles (0.00025%); highest among the groups gnomAD compares: Non-Finnish European, 0.00034%; no homozygotes.

Submission:

PreventionGenetics, part of Exact Sciences
Classification: Uncertain significance for PCNT-related condition. Last evaluated: 2025-04-10. Review status: criteria provided, single submitter. Criteria: ACMG Guidelines, 2015. Collection method: clinical testing. Allele origin: germline.
Comment: The PCNT c.2903T>C variant is predicted to result in the amino acid substitution p.Leu968Pro. To our knowledge, this variant has not been reported in the literature or in a large population database (gnomAD), indicating this variant is rare. At this time, the clinical significance of this variant is uncertain due to the absence of conclusive functional and genetic evidence.